The following is an entry in ClinVar:

NM_016120.4(RLIM):c.1359T>C (p.Ser453=)

Gene: RLIM (ring finger protein, LIM domain interacting; minus strand). Cytogenetic location: Xq13.2.
Variant type: single nucleotide variant.
Coding change: c.1359T>C on transcript NM_016120.4 (MANE Select); coding-DNA position 1359, T replaced by C.
Protein change: p.Ser453=; no amino-acid change (serine 453 retained).
Molecular consequence: synonymous variant.
Genome position (GRCh38, 1-based): chrX:74,591,956, A>G on the plus strand (T>C on the coding strand, the complement: RLIM is on the minus strand). VCF-style: chrX-74591956-A-G. GRCh37 (hg19) VCF-style: chrX-73811791-A-G.
Other names: c.1359T>C, p.Ser453= (NM_183353.3).
Identifiers: ClinVar variation 3772032 (VCV003772032.13).

ClinVar aggregate classification (germline): Likely benign (1 of 4 stars; one submission).

Submission:

CeGaT Center for Human Genetics Tuebingen
Classification: Likely benign. Last evaluated: 2024-12-01. Review status: criteria provided, single submitter. Criteria: CeGaT Center For Human Genetics Tuebingen Variant Classification Criteria Version 2. Collection method: clinical testing. Allele origin: germline. Affected: yes. Observed: 1 variant allele.
Comment: RLIM: PM2:Supporting, BP4, BP7